The following is an entry in ClinVar:

ClinVar aggregate classification (germline): Likely benign. Review status: criteria provided, multiple submitters, no conflicts (2 of 4 stars). 2 submissions from 2 submitters: Likely benign (2). Last evaluated 2026-09-08.

Conditions:
DST-related disorder. Also called: DST-related condition; DST-related disorders.
Epidermolysis bullosa simplex 3, localized or generalized intermediate, with BP230 deficiency (EBS3). Also called: Epidermolysis bullosa simplex, autosomal recessive 2; Epidermolysis bullosa simplex due to BP230 deficiency. Identifiers: Orphanet 412181, MedGen C3809470, MONDO:0014180, OMIM 615425.
Hereditary sensory and autonomic neuropathy type 6. Also called: Neuropathy, hereditary sensory and autonomic, type VI; HSAN VI. Identifiers: Orphanet 314381, MedGen C3539003, MONDO:0013839, OMIM 614653.

Allele frequency attached by ClinVar (database versions not stated): ExAC 0.00002; gnomAD exomes 0.00004; TOPMed 0.00008; gnomAD 0.00011 and 0.00012; 1000 Genomes Project 30x 0.00016; ESP Exome Variant Server 0.00016; 1000 Genomes Project 0.00020.
gnomAD v4.1: 267 of 1,613,700 alleles (0.017%); highest among the groups gnomAD compares: Non-Finnish European, 0.021%; no homozygotes.

Submissions (2):

PreventionGenetics, part of Exact Sciences
Classification: Likely benign for DST-related condition. Last evaluated: 2026-09-08. Review status: criteria provided, single submitter. Criteria: ACMG Guidelines, 2015. Collection method: clinical testing. Allele origin: germline.
Comment: This variant is classified as likely benign based on ACMG/AMP sequence variant interpretation guidelines (Richards et al. 2015 PMID: 25741868, with internal and published modifications).

Labcorp Genetics (formerly Invitae), Labcorp
Classification: Likely benign for Epidermolysis bullosa simplex 3, localized or generalized intermediate, with BP230 deficiency; Hereditary sensory and autonomic neuropathy type 6. Last evaluated: 2025-12-16. Review status: criteria provided, single submitter. Criteria: Invitae Variant Classification Sherloc (09022015). Collection method: clinical testing. Allele origin: germline.

NM_001374736.1(DST):c.18102C>T (p.Ile6034=)

Gene: DST (dystonin; minus strand). Cytogenetic location: 6p12.1.
Variant type: single nucleotide variant.
Coding change: c.18102C>T on transcript NM_001374736.1 (MANE Select); coding-DNA position 18102, C replaced by T.
Protein change: p.Ile6034=; no amino-acid change (isoleucine 6034 retained).
Molecular consequence: synonymous variant.
Genome position (GRCh38, 1-based): chr6:56,526,388, G>A on the plus strand (C>T on the coding strand, the complement: DST is on the minus strand). VCF-style: chr6-56526388-G-A. GRCh37 (hg19) VCF-style: chr6-56391186-G-A.
Other names: c.11745C>T, p.Ile3915= (NM_001144769.5); c.11331C>T, p.Ile3777= (NM_001144770.2); c.18102C>T, p.Ile6034= (NM_001374722.1); c.17142C>T, p.Ile5714= (NM_001374729.1); c.10884C>T, p.Ile3628= (NM_001374730.1); c.18129C>T, p.Ile6043= (NM_001374734.1); c.11211C>T, p.Ile3737= (NM_001386100.1, NM_183380.4); c.10233C>T, p.Ile3411= (NM_015548.5); and 1 more.
Identifiers: ClinVar variation 1124924 (VCV001124924.10), dbSNP rs201951832, ClinGen allele CA3867302.